The following is an entry in ClinVar:

NM_014334.4(FRRS1L):c.269A>T (p.Asp90Val)

Gene: FRRS1L (ferric chelate reductase 1 like; minus strand). Cytogenetic location: 9q31.3.
Variant type: single nucleotide variant.
Coding change: c.269A>T on transcript NM_014334.4 (MANE Select); coding-DNA position 269, A replaced by T.
Protein change: p.Asp90Val; replaces aspartic acid 90 with valine.
Molecular consequence: missense variant.
Genome position (GRCh38, 1-based): chr9:109,149,690, T>A on the plus strand (A>T on the coding strand, the complement: FRRS1L is on the minus strand). VCF-style: chr9-109149690-T-A. GRCh37 (hg19) VCF-style: chr9-111911970-T-A.
Other names: short protein forms D90V.
Identifiers: ClinVar variation 1031262 (VCV001031262.2), dbSNP rs959347221, ClinGen allele CA374428311.
Genomic context (GRCh38, chr9:109,149,690, plus strand): 5'-ACCAACCTAAAGCATCCCTTAGTTTTTCCACAGTCGTCCACTTTGATTTTGGCAAATGGA[T>A]CCACAGGAGGAGCAGTAGGGAAGGGGTAACCTGGGCAGTGAGAATAAAGAAGGGTTAGAA-3'
Protein context (NP_055149.3, residues 80-100): GYPFPTAPPV[Asp90Val]PFAKIKVDDC

ClinVar aggregate classification (germline): Uncertain significance. Review status: criteria provided, multiple submitters, no conflicts (2 of 4 stars). 2 submissions from 2 submitters: Uncertain significance (2). Last evaluated 2024-03-26.

Conditions:
Developmental and epileptic encephalopathy, 37 (DEE37). Also called: Epileptic encephalopathy, early infantile, 37. Identifiers: MedGen C4310770, MONDO:0014859, OMIM 616981.

Submissions (2):

Genomic Medicine Center of Excellence, King Faisal Specialist Hospital and Research Centre
Classification: Uncertain significance for Developmental and epileptic encephalopathy, 37. Last evaluated: 2024-03-26. Review status: criteria provided, single submitter. Criteria: ACMG Guidelines, 2015. Collection method: clinical testing. Allele origin: germline.

Baylor Genetics
Classification: Uncertain significance for Developmental and epileptic encephalopathy, 37. Last evaluated: 2020-02-03. Review status: criteria provided, single submitter. Criteria: ACMG Guidelines, 2015. Collection method: clinical testing. Allele origin: unknown. Affected: yes.
Comment: This variant was determined to be of uncertain significance according to ACMG Guidelines, 2015 [PMID:25741868].